The following is an entry in ClinVar:

NM_006206.6(PDGFRA):c.2263T>C (p.Ser755Pro)

Gene: PDGFRA (platelet derived growth factor receptor alpha; plus strand). Cytogenetic location: 4q12.
Variant type: single nucleotide variant.
Coding change: c.2263T>C on transcript NM_006206.6 (MANE Select); coding-DNA position 2263, T replaced by C.
Protein change: p.Ser755Pro; replaces serine 755 with proline.
Molecular consequence: missense variant.
Genome position (GRCh38, 1-based): chr4:54,280,422, T>C. VCF-style: chr4-54280422-T-C. GRCh37 (hg19) VCF-style: chr4-55146589-T-C.
Other names: c.2263T>C, p.Ser755Pro (NM_001347827.2, NM_001347829.2); c.2338T>C, p.Ser780Pro (NM_001347828.2); c.2302T>C, p.Ser768Pro (NM_001347830.2); short protein forms S755P, S780P, S768P.
Identifiers: ClinVar variation 2568089 (VCV002568089.3), dbSNP rs780701113, ClinGen allele CA2922796.
Genomic context (GRCh38, chr4:54,280,422, plus strand): 5'-AAGCAGGCTGATACTACACAGTATGTCCCCATGCTAGAAAGGAAAGAGGTTTCTAAATAT[T>C]CCGACATCCAGAGATCACTCTATGATCGTCCAGCCTCATATAAGAAGAAATCTATGTTAG-3'
Protein context (NP_006197.1, residues 745-765): MLERKEVSKY[Ser755Pro]DIQRSLYDRP

ClinVar aggregate classification (germline): Uncertain significance (1 of 4 stars; one submission).

Conditions:
Hereditary cancer-predisposing syndrome. Also called: Hereditary neoplastic syndrome; Hereditary Cancer Syndrome; Neoplastic Syndromes, Hereditary; Tumor predisposition. Identifiers: Orphanet 140162, MedGen C0027672, MeSH D009386, MONDO:0015356.

Allele frequency attached by ClinVar (database versions not stated): gnomAD exomes below 0.00001; ExAC 0.00001.
gnomAD v4.1: 1 of 1,613,806 alleles (0.000062%); highest among the groups gnomAD compares: South Asian, 0.0011%; no homozygotes.

Submission:

Ambry Genetics
Classification: Uncertain significance for Hereditary cancer-predisposing syndrome. Last evaluated: 2025-11-09. Review status: criteria provided, single submitter. Criteria: Ambry Variant Classification Scheme 2023. Collection method: clinical testing. Allele origin: germline.
Comment: The p.S755P variant (also known as c.2263T>C), located in coding exon 15 of the PDGFRA gene, results from a T to C substitution at nucleotide position 2263. The serine at codon 755 is replaced by proline, an amino acid with similar properties. This amino acid position is conserved. In addition, this alteration is predicted to be deleterious by in silico analysis. Since supporting evidence is limited at this time, the clinical significance of this alteration remains unclear.